The following is an entry in ClinVar:

NM_002941.4(ROBO1):c.355C>T (p.Arg119Ter)

Gene: ROBO1 (roundabout guidance receptor 1; minus strand). Cytogenetic location: 3p12.3.
Variant type: single nucleotide variant.
Coding change: c.355C>T on transcript NM_002941.4 (MANE Select); coding-DNA position 355, C replaced by T.
Protein change: p.Arg119Ter; replaces arginine 119 with a stop codon.
Molecular consequence: nonsense.
Genome position (GRCh38, 1-based): chr3:78,938,745, G>A on the plus strand (C>T on the coding strand, the complement: ROBO1 is on the minus strand). VCF-style: chr3-78938745-G-A. GRCh37 (hg19) VCF-style: chr3-78987895-G-A.
Other names: c.238C>T (NM_133631.3); c.238C>T, p.Arg80Ter (NM_001145845.2, NM_133631.4); short protein forms R119*, R80*.
Identifiers: ClinVar variation 995981 (VCV000995981.2), dbSNP rs1017845770, ClinGen allele CA77706949.

ClinVar aggregate classification (germline): Likely pathogenic. Review status: criteria provided, multiple submitters, no conflicts (2 of 4 stars). 2 submissions from 2 submitters: Likely pathogenic (2). Last evaluated 2024-12-19.

Conditions:
Neurooculorenal syndrome (NORS). Identifiers: MedGen C5830377, MONDO:0957210, OMIM 620305.
Tetralogy of Fallot (TOF). Identifiers: Orphanet 3303, MedGen C0039685, MONDO:0008542, OMIM 187500, HP:0001636.

Allele frequency attached by ClinVar (database versions not stated): gnomAD exomes below 0.00001; gnomAD 0.00001; TOPMed 0.00001.
gnomAD v4.1: 3 of 1,613,794 alleles (0.00019%); highest among the groups gnomAD compares: South Asian, 0.0011%; no homozygotes.

Submissions (2):

Genomic Medicine Center of Excellence, King Faisal Specialist Hospital and Research Centre
Classification: Likely pathogenic for Neurooculorenal syndrome. Last evaluated: 2024-12-19. Review status: criteria provided, single submitter. Criteria: ACMG Guidelines, 2015. Collection method: clinical testing. Allele origin: germline.

Institute of Human Genetics, University of Leipzig Medical Center
Classification: Likely pathogenic for Tetralogy of Fallot. Last evaluated: 2021-01-09. Review status: criteria provided, single submitter. Criteria: ACMG Guidelines, 2015. Collection method: curation. Allele origin: de novo. Inheritance: Autosomal dominant inheritance. Affected: yes.
Comment: This variant was reported as c.355C>T, p.(R119*) (NM_002941.3) in an individual (Proband 1) with tetralogy of Fallot and septal defects (PMID: 28592524 (kruszka, 2017)). Inheritance was reported as dominant (heterozygous) (de novo). The variant was reviewed according to current ACMG recommendations and classified as Likely Pathogenic (criteria: PVS1_VeryStrong, PS2_Moderate, PM2_Supporting) at the variant level; the gene-disease association is currently not established in curated databases.

Literature cited by the submitters: PubMed 28592524 (cited by Institute of Human Genetics, University of Leipzig Medical Center).